The following is an entry in ClinVar:

ClinVar aggregate classification (germline): Likely benign. Review status: criteria provided, multiple submitters, no conflicts (2 of 4 stars). 2 submissions from 2 submitters: Likely benign (2). Last evaluated 2025-07-12.

Conditions:
Inborn genetic diseases. Identifiers: MedGen C0950123, MeSH D030342.

Allele frequency attached by ClinVar (database versions not stated): ExAC 0.00001; gnomAD 0.00001; gnomAD exomes 0.00001; TOPMed 0.00001.
gnomAD v4.1: 16 of 1,614,032 alleles (0.00099%); highest among the groups gnomAD compares: Admixed American, 0.015%; no homozygotes.

Submissions (2):

Ambry Genetics
Classification: Likely benign for Inborn genetic diseases. Last evaluated: 2025-07-12. Review status: criteria provided, single submitter. Criteria: Ambry Variant Classification Scheme 2023. Collection method: clinical testing. Allele origin: germline.

CeGaT Center for Human Genetics Tuebingen
Classification: Likely benign. Last evaluated: 2024-07-01. Review status: criteria provided, single submitter. Criteria: CeGaT Center For Human Genetics Tuebingen Variant Classification Criteria Version 2. Collection method: clinical testing. Allele origin: germline. Affected: yes. Observed: 1 variant allele.
Comment: ASH1L: BP4

NM_018489.3(ASH1L):c.2752A>G (p.Ser918Gly)

Gene: ASH1L (ASH1 like histone lysine methyltransferase; minus strand). Cytogenetic location: 1q22.
Variant type: single nucleotide variant.
Coding change: c.2752A>G on transcript NM_018489.3 (MANE Select); coding-DNA position 2752, A replaced by G.
Protein change: p.Ser918Gly; replaces serine 918 with glycine.
Molecular consequence: missense variant.
Genome position (GRCh38, 1-based): chr1:155,480,118, T>C on the plus strand (A>G on the coding strand, the complement: ASH1L is on the minus strand). VCF-style: chr1-155480118-T-C. GRCh37 (hg19) VCF-style: chr1-155449909-T-C.
Other names: c.2752A>G, p.Ser918Gly (NM_001366177.2); c.2752A>G (NM_018489.2); short protein forms S918G.
Identifiers: ClinVar variation 3250761 (VCV003250761.19), dbSNP rs778346545.
Genomic context (GRCh38, chr1:155,480,118, plus strand): 5'-TCTCAAAGAAATCACTGCTACTTCTATGGTTGTCACTTTCAGATTCTAGCTTGCTTGGAC[T>C]TTCAGTGGCAACAAATGGAGCCACTGACAGTACAGGTGGCTTCATCTTGACTGGTGACCT-3'
Protein context (NP_060959.2, residues 908-928): LSVAPFVATE[Ser918Gly]PSKLESESDN